The following is an entry in ClinVar:

NM_198253.3(TERT):c.923C>T (p.Pro308Leu)

Gene: TERT (telomerase reverse transcriptase; minus strand). Cytogenetic location: 5p15.33.
Variant type: single nucleotide variant.
Coding change: c.923C>T on transcript NM_198253.3 (MANE Select); coding-DNA position 923, C replaced by T.
Protein change: p.Pro308Leu; replaces proline 308 with leucine.
Molecular consequence: missense variant. On other transcripts: non-coding transcript variant (2).
Genome position (GRCh38, 1-based): chr5:1,293,963, G>A on the plus strand (C>T on the coding strand, the complement: TERT is on the minus strand). VCF-style: chr5-1293963-G-A. GRCh37 (hg19) VCF-style: chr5-1294078-G-A.
Other names: c.923C>T, p.Pro308Leu (NM_001193376.3); short protein forms P308L.
Identifiers: ClinVar variation 953244 (VCV000953244.10), dbSNP rs763462006, ClinGen allele CA3184887.

ClinVar aggregate classification (germline): Uncertain significance (1 of 4 stars; one submission).

Conditions:
Idiopathic Pulmonary Fibrosis. Also called: Idiopathic fibrosing alveolitis, chronic form; idiopathic fibrosing alveolitis. Identifiers: Orphanet 2032, MedGen C1800706, MeSH D054990, MONDO:0800504.
Dyskeratosis congenita, autosomal dominant 2. Identifiers: MedGen C3151443, MONDO:0013521, OMIM 613989.

Allele frequency attached by ClinVar (database versions not stated): TOPMed below 0.00001; ExAC below 0.00001.

Submission:

Labcorp Genetics (formerly Invitae), Labcorp
Classification: Uncertain significance for Dyskeratosis congenita, autosomal dominant 2; Idiopathic Pulmonary Fibrosis. Last evaluated: 2022-10-13. Review status: criteria provided, single submitter. Criteria: Invitae Variant Classification Sherloc (09022015). Collection method: clinical testing. Allele origin: germline.
Comment: In summary, the available evidence is currently insufficient to determine the role of this variant in disease. Therefore, it has been classified as a Variant of Uncertain Significance. Advanced modeling of protein sequence and biophysical properties (such as structural, functional, and spatial information, amino acid conservation, physicochemical variation, residue mobility, and thermodynamic stability) performed at Invitae indicates that this missense variant is expected to disrupt TERT protein function. ClinVar contains an entry for this variant (Variation ID: 953244). This variant has not been reported in the literature in individuals affected with TERT-related conditions. This variant is not present in population databases (gnomAD no frequency). This sequence change replaces proline, which is neutral and non-polar, with leucine, which is neutral and non-polar, at codon 308 of the TERT protein (p.Pro308Leu).